The following is an entry in ClinVar:

ClinVar aggregate classification (germline): Likely benign (1 of 4 stars; one submission).

Allele frequency attached by ClinVar (database versions not stated): 1000 Genomes Project 0.00160; 1000 Genomes Project 30x 0.00187; TOPMed 0.00338; gnomAD 0.00364; ExAC 0.00366; ESP Exome Variant Server 0.00484; gnomAD exomes 0.00608.
gnomAD v4.1: 9,304 of 1,614,196 alleles (0.58%); highest among the groups gnomAD compares: Non-Finnish European, 0.74%; 32 homozygotes.

Submission:

CeGaT Center for Human Genetics Tuebingen
Classification: Likely benign. Last evaluated: 2023-01-01. Review status: criteria provided, single submitter. Criteria: CeGaT Center For Human Genetics Tuebingen Variant Classification Criteria Version 2. Collection method: clinical testing. Allele origin: germline. Affected: yes. Observed: 1 variant allele.
Comment: PCDHB16: BP4, BP7, BS2

NM_020957.4(PCDHB16):c.1251T>C (p.Tyr417=)

Genes: PCDHB16 (protocadherin beta 16; plus strand), PCDHB@ (protocadherin beta cluster; plus strand). Cytogenetic location: 5q31.3.
Variant type: single nucleotide variant.
Coding change: c.1251T>C on transcript NM_020957.4 (MANE Select); coding-DNA position 1251, T replaced by C.
Protein change: p.Tyr417=; no amino-acid change (tyrosine 417 retained).
Molecular consequence: synonymous variant.
Genome position (GRCh38, 1-based): chr5:141,183,810, T>C. VCF-style: chr5-141183810-T-C. GRCh37 (hg19) VCF-style: chr5-140563385-T-C.
Identifiers: ClinVar variation 2655821 (VCV002655821.24), dbSNP rs115003049, ClinGen allele CA3460362.